The following is an entry in ClinVar:

NM_020779.4(WDR35):c.658G>T (p.Val220Leu)

Gene: WDR35 (WD repeat domain 35; minus strand). Cytogenetic location: 2p24.1.
Variant type: single nucleotide variant.
Coding change: c.658G>T on transcript NM_020779.4 (MANE Select); coding-DNA position 658, G replaced by T.
Protein change: p.Val220Leu; replaces valine 220 with leucine.
Molecular consequence: missense variant.
Genome position (GRCh38, 1-based): chr2:19,974,546, C>A on the plus strand (G>T on the coding strand, the complement: WDR35 is on the minus strand). VCF-style: chr2-19974546-C-A. GRCh37 (hg19) VCF-style: chr2-20174307-C-A.
Other names: c.658G>T, p.Val220Leu (NM_001006657.2); short protein forms V220L.
Identifiers: ClinVar variation 2169704 (VCV002169704.4), dbSNP rs746602378, ClinGen allele CA1543472.

ClinVar aggregate classification (germline): Uncertain significance (1 of 4 stars; one submission).

Conditions:
Short-rib thoracic dysplasia 7 with or without polydactyly (SRTD7). Also called: Short rib polydactyly syndrome 5; SHORT-RIB THORACIC DYSPLASIA 7 WITH POLYDACTYLY. Identifiers: Orphanet 498497, Orphanet 93271, MedGen C3279792, MONDO:0013569, OMIM 614091.
Cranioectodermal dysplasia 2 (CED2). Identifiers: Orphanet 1515, MedGen C3150874, MONDO:0013323, OMIM 613610.

Allele frequency attached by ClinVar (database versions not stated): ExAC 0.00002.
gnomAD v4.1: 6 of 1,613,302 alleles (0.00037%); highest among the groups gnomAD compares: East Asian, 0.0089%; no homozygotes.

Submission:

Labcorp Genetics (formerly Invitae), Labcorp
Classification: Uncertain significance for Cranioectodermal dysplasia 2; Short-rib thoracic dysplasia 7 with or without polydactyly. Last evaluated: 2022-07-26. Review status: criteria provided, single submitter. Criteria: Invitae Variant Classification Sherloc (09022015). Collection method: clinical testing. Allele origin: germline.
Comment: In summary, the available evidence is currently insufficient to determine the role of this variant in disease. Therefore, it has been classified as a Variant of Uncertain Significance. Algorithms developed to predict the effect of missense changes on protein structure and function (SIFT, PolyPhen-2, Align-GVGD) all suggest that this variant is likely to be tolerated. This variant has not been reported in the literature in individuals affected with WDR35-related conditions. This variant is present in population databases (rs746602378, gnomAD 0.02%). This sequence change replaces valine, which is neutral and non-polar, with leucine, which is neutral and non-polar, at codon 220 of the WDR35 protein (p.Val220Leu).